The following is an entry in ClinVar:

NM_001379286.1(ZNF423):c.146C>T (p.Ala49Val)

Gene: ZNF423 (zinc finger protein 423; minus strand). Cytogenetic location: 16q12.1.
Variant type: single nucleotide variant.
Coding change: c.146C>T on transcript NM_001379286.1 (MANE Select); coding-DNA position 146, C replaced by T.
Protein change: p.Ala49Val; replaces alanine 49 with valine.
Molecular consequence: missense variant. On other transcripts: 5 prime UTR variant (1).
Genome position (GRCh38, 1-based): chr16:49,730,926, G>A on the plus strand (C>T on the coding strand, the complement: ZNF423 is on the minus strand). VCF-style: chr16-49730926-G-A. GRCh37 (hg19) VCF-style: chr16-49764837-G-A.
Other names: c.122C>T, p.Ala41Val (NM_015069.5); c.-59C>T (NM_001271620.2); c.122C>T (NM_015069.2); short protein forms A49V, A41V.
Identifiers: ClinVar variation 1034635 (VCV001034635.30), dbSNP rs147379553, ClinGen allele CA8046949.

ClinVar aggregate classification (germline): Conflicting classifications of pathogenicity. Review status: criteria provided, conflicting classifications (1 of 4 stars). 4 submissions from 4 submitters: Uncertain significance (3); Likely benign (1). Last evaluated 2024-09-23.

Conditions:
Nephronophthisis 14 (NPHP14). Identifiers: Orphanet 2318, MedGen C3539071, MONDO:0013916, OMIM 614844.

Allele frequency attached by ClinVar (database versions not stated): gnomAD exomes 0.00004 and 0.00006; ExAC 0.00006; gnomAD 0.00009; TOPMed 0.00011; ESP Exome Variant Server 0.00031.
gnomAD v4.1: 78 of 1,614,002 alleles (0.0048%); highest among the groups gnomAD compares: African/African-American, 0.027%; no homozygotes.

Submissions (4):

Blueprint Genetics
Classification: Uncertain significance. Last evaluated: 2024-09-23. Review status: criteria provided, single submitter. Criteria: ACMG Guidelines, 2015. Collection method: clinical testing. Allele origin: germline.

Labcorp Genetics (formerly Invitae), Labcorp
Classification: Uncertain significance for Nephronophthisis 14. Last evaluated: 2023-10-03. Review status: criteria provided, single submitter. Criteria: Invitae Variant Classification Sherloc (09022015). Collection method: clinical testing. Allele origin: germline.
Comment: This sequence change replaces alanine, which is neutral and non-polar, with valine, which is neutral and non-polar, at codon 41 of the ZNF423 protein (p.Ala41Val). This variant is present in population databases (rs147379553, gnomAD 0.03%). This variant has not been reported in the literature in individuals affected with ZNF423-related conditions. ClinVar contains an entry for this variant (Variation ID: 1034635). Algorithms developed to predict the effect of missense changes on protein structure and function output the following: SIFT: "Not Available"; PolyPhen-2: "Benign"; Align-GVGD: "Not Available". The valine amino acid residue is found in multiple mammalian species, which suggests that this missense change does not adversely affect protein function. In summary, the available evidence is currently insufficient to determine the role of this variant in disease. Therefore, it has been classified as a Variant of Uncertain Significance.

CeGaT Center for Human Genetics Tuebingen
Classification: Likely benign. Last evaluated: 2023-08-01. Review status: criteria provided, single submitter. Criteria: CeGaT Center For Human Genetics Tuebingen Variant Classification Criteria Version 2. Collection method: clinical testing. Allele origin: germline. Affected: yes. Observed: 1 variant allele.
Comment: ZNF423: BP4

Ambry Genetics
Classification: Uncertain significance. Last evaluated: 2021-09-16. Review status: criteria provided, single submitter. Criteria: Ambry Variant Classification Scheme 2023. Collection method: clinical testing. Allele origin: germline.